The following is an entry in ClinVar:

NM_139242.4(MTFMT):c.1148C>G (p.Ala383Gly)

Gene: MTFMT (mitochondrial methionyl-tRNA formyltransferase; minus strand). Cytogenetic location: 15q22.31.
Variant type: single nucleotide variant.
Coding change: c.1148C>G on transcript NM_139242.4 (MANE Select); coding-DNA position 1148, C replaced by G.
Protein change: p.Ala383Gly; replaces alanine 383 with glycine.
Molecular consequence: missense variant.
Genome position (GRCh38, 1-based): chr15:65,003,084, G>C on the plus strand (C>G on the coding strand, the complement: MTFMT is on the minus strand). VCF-style: chr15-65003084-G-C. GRCh37 (hg19) VCF-style: chr15-65295422-G-C.
Other names: c.1148C>G (NM_139242.3); short protein forms A383G.
Identifiers: ClinVar variation 1357429 (VCV001357429.7), dbSNP rs767859552, ClinGen allele CA392844585.

ClinVar aggregate classification (germline): Uncertain significance. Review status: criteria provided, multiple submitters, no conflicts (2 of 4 stars). 2 submissions from 2 submitters: Uncertain significance (2). Last evaluated 2022-11-08.

Conditions:
Inborn genetic diseases. Identifiers: MedGen C0950123, MeSH D030342.

Allele frequency attached by ClinVar (database versions not stated): gnomAD 0.00001; TOPMed 0.00001.
gnomAD v4.1: 7 of 1,602,730 alleles (0.00044%); highest among the groups gnomAD compares: Non-Finnish European, 0.0006%; no homozygotes.

Submissions (2):

Labcorp Genetics (formerly Invitae), Labcorp
Classification: Uncertain significance. Last evaluated: 2022-11-08. Review status: criteria provided, single submitter. Criteria: Invitae Variant Classification Sherloc (09022015). Collection method: clinical testing. Allele origin: germline.
Comment: In summary, the available evidence is currently insufficient to determine the role of this variant in disease. Therefore, it has been classified as a Variant of Uncertain Significance. Algorithms developed to predict the effect of missense changes on protein structure and function (SIFT, PolyPhen-2, Align-GVGD) all suggest that this variant is likely to be tolerated. ClinVar contains an entry for this variant (Variation ID: 1357429). This variant has not been reported in the literature in individuals affected with MTFMT-related conditions. This variant is not present in population databases (gnomAD no frequency). This sequence change replaces alanine, which is neutral and non-polar, with glycine, which is neutral and non-polar, at codon 383 of the MTFMT protein (p.Ala383Gly).

Ambry Genetics
Classification: Uncertain significance for Inborn genetic diseases. Last evaluated: 2021-09-22. Review status: criteria provided, single submitter. Criteria: Ambry Variant Classification Scheme 2023. Collection method: clinical testing. Allele origin: germline.